The following is an entry in ClinVar:

ClinVar aggregate classification (germline): Uncertain significance (1 of 4 stars; one submission).

Conditions:
Symmetrical dyschromatosis of extremities (DSH). Also called: DYSCHROMATOSIS SYMMETRICA HEREDITARIA 1; RETICULATE ACROPIGMENTATION OF DOHI; SYMMETRIC DYSCHROMATOSIS OF THE EXTREMITIES; Dyschromatosis symmetrica hereditaria. Identifiers: Orphanet 41, MedGen C0406775, MONDO:0007483, OMIM 127400.
Aicardi-Goutieres syndrome 6 (AGS6). Identifiers: Orphanet 51, MedGen C3539013, MONDO:0014007, OMIM 615010.

Submission:

Labcorp Genetics (formerly Invitae), Labcorp
Classification: Uncertain significance for Aicardi-Goutieres syndrome 6; Symmetrical dyschromatosis of extremities. Last evaluated: 2022-11-15. Review status: criteria provided, single submitter. Criteria: Invitae Variant Classification Sherloc (09022015). Collection method: clinical testing. Allele origin: germline.
Comment: This variant has not been reported in the literature in individuals affected with ADAR-related conditions. In summary, the available evidence is currently insufficient to determine the role of this variant in disease. Therefore, it has been classified as a Variant of Uncertain Significance. Advanced modeling of protein sequence and biophysical properties (such as structural, functional, and spatial information, amino acid conservation, physicochemical variation, residue mobility, and thermodynamic stability) performed at Invitae indicates that this missense variant is not expected to disrupt ADAR protein function. ClinVar contains an entry for this variant (Variation ID: 1445857). This variant is not present in population databases (gnomAD no frequency). This sequence change replaces leucine, which is neutral and non-polar, with phenylalanine, which is neutral and non-polar, at codon 702 of the ADAR protein (p.Leu702Phe).

NM_001111.5(ADAR):c.2104C>T (p.Leu702Phe)

Gene: ADAR (adenosine deaminase RNA specific; minus strand). Cytogenetic location: 1q21.3.
Variant type: single nucleotide variant.
Coding change: c.2104C>T on transcript NM_001111.5 (MANE Select); coding-DNA position 2104, C replaced by T.
Protein change: p.Leu702Phe; replaces leucine 702 with phenylalanine.
Molecular consequence: missense variant. On other transcripts: intron variant (1).
Genome position (GRCh38, 1-based): chr1:154,596,971, G>A on the plus strand (C>T on the coding strand, the complement: ADAR is on the minus strand). VCF-style: chr1-154596971-G-A. GRCh37 (hg19) VCF-style: chr1-154569447-G-A.
Other names: c.1219C>T, p.Leu407Phe (NM_001025107.3, NM_001193495.2, NM_001365046.1 and 3 more transcripts); c.2131C>T, p.Leu711Phe (NM_001365045.1); c.2104C>T, p.Leu702Phe (NM_015840.4); c.2080-33C>T (NM_015841.4); short protein forms L702F, L711F, L407F.
Identifiers: ClinVar variation 1445857 (VCV001445857.6), dbSNP rs2101619925, ClinGen allele CA342638010.